The following is an entry in ClinVar:

NM_006231.4(POLE):c.1181del (p.Gln394fs)

Gene: POLE (DNA polymerase epsilon, catalytic subunit; minus strand). Cytogenetic location: 12q24.33.
Variant type: Deletion.
Coding change: c.1181del on transcript NM_006231.4 (MANE Select); coding-DNA position 1181, one base deleted (A; older notation c.1181delA).
Protein change: p.Gln394fs; shifts the reading frame from glutamine 394.
Molecular consequence: frameshift variant.
Genome position (GRCh38, 1-based): chr12:132,675,443, T deleted on the plus strand (A on the coding strand, the reverse complement: POLE is on the minus strand). VCF-style (leftmost placement, unchanged base first): chr12-132675442-CT-C. GRCh37 (hg19) VCF-style: chr12-133252028-CT-C.
Other names: c.1181delA (NM_006231.3); short protein forms Q394fs.
Identifiers: ClinVar variation 473441 (VCV000473441.18), dbSNP rs764289504, ClinGen allele CA6894053.

ClinVar aggregate classification (germline): Conflicting classifications of pathogenicity. Review status: criteria provided, conflicting classifications (1 of 4 stars). 3 submissions from 3 submitters: Pathogenic (1); Uncertain significance (1). 1 of the submissions does not count toward it. Last evaluated 2025-11-12.

Conditions:
Colorectal cancer, susceptibility to, 12 (CRCS12). Also called: COLORECTAL CANCER, SUSCEPTIBILITY TO, ON CHROMOSOME 12q24. Identifiers: Orphanet 220460, MedGen C3554460, MONDO:0014038, OMIM 615083.
Hereditary cancer-predisposing syndrome. Also called: Neoplastic Syndromes, Hereditary; Tumor predisposition; Hereditary Cancer Syndrome; Hereditary neoplastic syndrome. Identifiers: Orphanet 140162, MedGen C0027672, MeSH D009386, MONDO:0015356.

Allele frequency attached by ClinVar (database versions not stated): gnomAD exomes below 0.00001; ExAC 0.00001.

Submissions (3):

Ambry Genetics
Classification: Uncertain significance for Hereditary cancer-predisposing syndrome. Last evaluated: 2025-11-12. Review status: criteria provided, single submitter. Criteria: Ambry Variant Classification Scheme 2023. Collection method: clinical testing. Allele origin: germline.
Comment: The c.1181delA variant, located in coding exon 12 of the POLE gene, results from a deletion of one nucleotide at nucleotide position 1181, causing a translational frameshift with a predicted alternate stop codon (p.Q394Rfs*18). This alteration is expected to result in loss of function by premature protein truncation or nonsense-mediated mRNA decay. Although biallelic loss of function of POLE has been associated with autosomal recessive POLE deficiency, haploinsufficiency of POLE has not been established as a mechanism of disease for POLE-related polymerase proofreading-associated polyposis (PPAP) and POLE-related CMMRD-like syndrome. Based on the supporting evidence, this variant is expected to be causative of POLE deficiency when present along with a second pathogenic variant on the other allele; however, its clinical significance for PPAP and POLE-related CMMRD-like syndrome is unclear.

Labcorp Genetics (formerly Invitae), Labcorp
Classification: Pathogenic. Last evaluated: 2025-01-26. Review status: criteria provided, single submitter. Criteria: Invitae Variant Classification Sherloc (09022015). Collection method: clinical testing. Allele origin: germline.
Comment: This sequence change creates a premature translational stop signal (p.Gln394Argfs*18) in the POLE gene. It is expected to result in an absent or disrupted protein product. Loss-of-function variants in POLE are known to be pathogenic (PMID: 23230001, 25948378, 30503519). This variant is present in population databases (rs764289504, gnomAD 0.003%). This premature translational stop signal has been observed in individual(s) with breast cancer (PMID: 30630526). ClinVar contains an entry for this variant (Variation ID: 473441). For these reasons, this variant has been classified as Pathogenic.

Counsyl
Classification: Uncertain significance for Colorectal cancer, susceptibility to, 12. Last evaluated: 2017-09-29. Review status: no assertion criteria provided. Collection method: clinical testing. Allele origin: unknown. Not counted in ClinVar's aggregate classification.

Literature cited by the submitters: PubMed 23230001 (cited by Labcorp Genetics (formerly Invitae), Labcorp); PubMed 25948378 (cited by Labcorp Genetics (formerly Invitae), Labcorp); PubMed 30503519 (cited by Labcorp Genetics (formerly Invitae), Labcorp); PubMed 30630526 (cited by Labcorp Genetics (formerly Invitae), Labcorp).